The following is an entry in ClinVar:

ClinVar aggregate classification (germline): Uncertain significance (1 of 4 stars; one submission).

Allele frequency attached by ClinVar (database versions not stated): gnomAD 0.00002; TOPMed 0.00002.
gnomAD v4.1: 5 of 1,614,034 alleles (0.00031%); highest among the groups gnomAD compares: African/African-American, 0.004%; no homozygotes.

Submission:

Labcorp Genetics (formerly Invitae), Labcorp
Classification: Uncertain significance. Last evaluated: 2022-09-27. Review status: criteria provided, single submitter. Criteria: Invitae Variant Classification Sherloc (09022015). Collection method: clinical testing. Allele origin: germline.
Comment: This variant is not present in population databases (gnomAD no frequency). This sequence change replaces lysine, which is basic and polar, with arginine, which is basic and polar, at codon 150 of the ARL2BP protein (p.Lys150Arg). This variant has not been reported in the literature in individuals affected with ARL2BP-related conditions. In summary, the available evidence is currently insufficient to determine the role of this variant in disease. Therefore, it has been classified as a Variant of Uncertain Significance. Algorithms developed to predict the effect of sequence changes on RNA splicing suggest that this variant may disrupt the consensus splice site. Algorithms developed to predict the effect of missense changes on protein structure and function (SIFT, PolyPhen-2, Align-GVGD) all suggest that this variant is likely to be tolerated. ClinVar contains an entry for this variant (Variation ID: 1489599).

NM_012106.4(ARL2BP):c.449A>G (p.Lys150Arg)

Gene: ARL2BP (ARF like GTPase 2 binding protein; plus strand). Cytogenetic location: 16q13.
Variant type: single nucleotide variant.
Coding change: c.449A>G on transcript NM_012106.4 (MANE Select); coding-DNA position 449, A replaced by G.
Protein change: p.Lys150Arg; replaces lysine 150 with arginine.
Molecular consequence: missense variant.
Genome position (GRCh38, 1-based): chr16:57,252,224, A>G. VCF-style: chr16-57252224-A-G. GRCh37 (hg19) VCF-style: chr16-57286136-A-G.
Other names: short protein forms K150R.
Identifiers: ClinVar variation 1489599 (VCV001489599.8), dbSNP rs985077362, ClinGen allele CA281526765.
Genomic context (GRCh38, chr16:57,252,224, plus strand): 5'-AGGAAAAAGAAGGCCGAGGACTGGACTTAAGCAGTGGCTTAGTGGTGACTTCATTGTGCA[A>G]ATCATCTTCTCTGCCAGCTTCCCAGAACAATCTGCGGCACTAGGTCCTACCTCCAGCCAA-3'
Protein context (NP_036238.1, residues 140-160): SSGLVVTSLC[Lys150Arg]SSSLPASQNN